The following is an entry in ClinVar:

NM_000245.4(MET):c.1862+7A>C

Gene: MET (MET proto-oncogene, receptor tyrosine kinase; plus strand). Cytogenetic location: 7q31.2.
Variant type: single nucleotide variant.
Coding change: c.1862+7A>C on transcript NM_000245.4 (MANE Select); 7 bases into the intron after coding-DNA position 1862, A replaced by C.
Molecular consequence: intron variant.
Genome position (GRCh38, 1-based): chr7:116,755,522, A>C. VCF-style: chr7-116755522-A-C. GRCh37 (hg19) VCF-style: chr7-116395576-A-C.
Other names: c.1862+7A>C (NM_001127500.3, NM_001324401.3); c.572+7A>C (NM_001324402.2).
Identifiers: ClinVar variation 2162638 (VCV002162638.5), dbSNP rs1305399003, ClinGen allele CA2580076241.

ClinVar aggregate classification (germline): Likely benign. Review status: criteria provided, multiple submitters, no conflicts (2 of 4 stars). 2 submissions from 2 submitters: Likely benign (2). Last evaluated 2024-11-08.

Conditions:
Renal cell carcinoma. Identifiers: Orphanet 217071, MedGen C0007134, MeSH D002292, MONDO:0005086, HP:0005584.
Papillary renal cell carcinoma type 1 (RCCP1). Also called: Renal adenocarcinoma; Renal cell carcinoma 1; Renal cell carcinoma, somatic; RENAL CELL CARCINOMA, PAPILLARY, 1, SOMATIC. Identifiers: Orphanet 47044, MedGen C1336839, OMIM 605074, HP:0011797.

Submissions (2):

Myriad Genetics, Inc.
Classification: Likely benign for Papillary renal cell carcinoma type 1. Last evaluated: 2024-11-08. Review status: criteria provided, single submitter. Criteria: Myriad Autosomal Dominant, Autosomal Recessive and X-Linked Classification Criteria (2023). Collection method: clinical testing. Allele origin: unknown.
Comment: This variant is considered likely benign. This variant is intronic and is not expected to impact mRNA splicing.

Labcorp Genetics (formerly Invitae), Labcorp
Classification: Likely benign for Renal cell carcinoma. Last evaluated: 2022-04-01. Review status: criteria provided, single submitter. Criteria: Invitae Variant Classification Sherloc (09022015). Collection method: clinical testing. Allele origin: germline.